The following is an entry in ClinVar:

ClinVar aggregate classification (germline): Uncertain significance (1 of 4 stars; one submission).

Conditions:
POLD1-related polyposis and colorectal cancer syndrome (CRCS10). Also called: Colorectal cancer 10; COLORECTAL CANCER, SUSCEPTIBILITY TO, ON CHROMOSOME 19q; Colorectal cancer, susceptibility to, 10. Identifiers: Orphanet 220460, MedGen C2675481, MONDO:0012953, OMIM 612591.

Submission:

Labcorp Genetics (formerly Invitae), Labcorp
Classification: Uncertain significance for POLD1-related polyposis and colorectal cancer syndrome. Last evaluated: 2019-10-13. Review status: criteria provided, single submitter. Criteria: Invitae Variant Classification Sherloc (09022015). Collection method: clinical testing. Allele origin: germline.
Comment: This variant has not been reported in the literature in individuals with POLD1-related conditions. This variant is not present in population databases (ExAC no frequency). This sequence change replaces proline with threonine at codon 303 of the POLD1 protein (p.Pro303Thr). The proline residue is weakly conserved and there is a small physicochemical difference between proline and threonine. Algorithms developed to predict the effect of missense changes on protein structure and function are either unavailable or do not agree on the potential impact of this missense change (SIFT: "Tolerated"; PolyPhen-2: "Benign"; Align-GVGD: "Class C0"). In summary, the available evidence is currently insufficient to determine the role of this variant in disease. Therefore, it has been classified as a Variant of Uncertain Significance.

NM_002691.4(POLD1):c.907C>A (p.Pro303Thr)

Gene: POLD1 (DNA polymerase delta 1, catalytic subunit; plus strand). Cytogenetic location: 19q13.33.
Variant type: single nucleotide variant.
Coding change: c.907C>A on transcript NM_002691.4 (MANE Select); coding-DNA position 907, C replaced by A.
Protein change: p.Pro303Thr; replaces proline 303 with threonine.
Molecular consequence: missense variant. On other transcripts: non-coding transcript variant (1).
Genome position (GRCh38, 1-based): chr19:50,402,678, C>A. VCF-style: chr19-50402678-C-A. GRCh37 (hg19) VCF-style: chr19-50905935-C-A.
Other names: c.907C>A, p.Pro303Thr (NM_001256849.1, NM_001308632.1); short protein forms P303T.
Identifiers: ClinVar variation 957221 (VCV000957221.9), dbSNP rs756953109, ClinGen allele CA406977034.